The following is an entry in ClinVar:

ClinVar aggregate classification (germline): Conflicting classifications of pathogenicity. Review status: criteria provided, conflicting classifications (1 of 4 stars). 4 submissions from 4 submitters: Uncertain significance (3); Likely benign (1). Last evaluated 2025-12-21.

Conditions:
Hereditary cancer-predisposing syndrome. Also called: Hereditary neoplastic syndrome; Neoplastic Syndromes, Hereditary; Tumor predisposition; Hereditary Cancer Syndrome. Identifiers: Orphanet 140162, MedGen C0027672, MeSH D009386, MONDO:0015356.
Hereditary breast ovarian cancer syndrome. Also called: Hereditary breast and ovarian cancer syndrome (HBOC); Breast and ovarian cancer; Hereditary breast and ovarian cancer syndrome; Hereditary breast and ovarian cancer; Hereditary breast and/or ovarian cancer syndrome; BRCA1- and BRCA2-Associated Hereditary Breast and Ovarian Cancer. Identifiers: Orphanet 145, MedGen C0677776, MeSH D061325, MONDO:0003582. Disease mechanism: loss of function.
Breast-ovarian cancer, familial, susceptibility to, 2 (BROVCA2). Also called: BRCA2 Hereditary Breast and Ovarian Cancer. Identifiers: Orphanet 145, MedGen C2675520, MONDO:0012933, OMIM 612555. Disease mechanism: loss of function.

Submissions (4):

Labcorp Genetics (formerly Invitae), Labcorp
Classification: Uncertain significance for Hereditary breast ovarian cancer syndrome. Last evaluated: 2025-12-21. Review status: criteria provided, single submitter. Criteria: Invitae Variant Classification Sherloc (09022015). Collection method: clinical testing. Allele origin: germline.
Comment: This sequence change replaces glutamic acid, which is acidic and polar, with lysine, which is basic and polar, at codon 1688 of the BRCA2 protein (p.Glu1688Lys). This variant is not present in population databases (gnomAD no frequency). This variant has not been reported in the literature in individuals affected with BRCA2-related conditions. ClinVar contains an entry for this variant (Variation ID: 481542). Invitae Evidence Modeling of protein sequence and biophysical properties (such as structural, functional, and spatial information, amino acid conservation, physicochemical variation, residue mobility, and thermodynamic stability) indicates that this missense variant is not expected to disrupt BRCA2 protein function with a negative predictive value of 95%. In summary, the available evidence is currently insufficient to determine the role of this variant in disease. Therefore, it has been classified as a Variant of Uncertain Significance.

University of Washington Department of Laboratory Medicine, University of Washington
Classification: Likely benign for Hereditary cancer-predisposing syndrome. Last evaluated: 2023-03-23. Review status: criteria provided, single submitter. Criteria: Dines et al. (Genet Med. 2020). Collection method: curation. Allele origin: germline.
Comment: Missense variant in a coldspot region where missense variants are very unlikely to be pathogenic (PMID:31911673).

BRCA2 exon 11 coldspot. Reclassification based on statistical prior probability.

All of Us Research Program, National Institutes of Health
Classification: Uncertain significance for Breast-ovarian cancer, familial, susceptibility to, 2. Last evaluated: 2023-02-24. Review status: criteria provided, single submitter. Criteria: ACMG Guidelines, 2015. Collection method: clinical testing. Allele origin: germline. Inheritance: Autosomal dominant inheritance. Observed: 1 variant allele, 1 heterozygote.
Comment: This missense variant replaces glutamic acid with lysine at codon 1688 of the BRCA2 protein. Computational prediction suggests that this variant may not impact protein structure and function (internally defined REVEL score threshold <= 0.5, PMID: 27666373). To our knowledge, functional studies have not been reported for this variant. This variant has not been reported in individuals affected with BRCA2-related disorders in the literature. This variant has not been identified in the general population by the Genome Aggregation Database (gnomAD). The available evidence is insufficient to determine the role of this variant in disease conclusively. Therefore, this variant is classified as a Variant of Uncertain Significance.

This study involves interpretation of variants in research participants for the purpose of population health screening. Participant phenotype was not available at the time of variant classification. Additional details can be found in publication PMID: 35346344, PMCID: PMC8962531

Ambry Genetics
Classification: Uncertain significance for Hereditary cancer-predisposing syndrome. Last evaluated: 2016-05-12. Review status: criteria provided, single submitter. Criteria: Ambry Variant Classification Scheme 2023. Collection method: clinical testing. Allele origin: germline.
Comment: The p.E1688K variant (also known as c.5062G>A), located in coding exon 10 of the BRCA2 gene, results from a G to A substitution at nucleotide position 5062. The glutamic acid at codon 1688 is replaced by lysine, an amino acid with similar properties. This variant was not reported in population based cohorts in the following databases: Database of Single Nucleotide Polymorphisms (dbSNP), NHLBI Exome Sequencing Project (ESP), and 1000 Genomes Project. In the ESP, this variant was not observed in 6469 samples (12938 alleles) with coverage at this position. To date, this alteration has been detected with an allele frequency of approximately 0.0004% (greater than 225000 alleles tested) in our clinical cohort. This amino acid position is not well conserved in available vertebrate species, and lysine is the reference amino acid in other vertebrate species. In addition, this alteration is predicted to be tolerated by in silico analysis. Since supporting evidence is limited at this time, the clinical significance of this alteration remains unclear.

NM_000059.4(BRCA2):c.5062G>A (p.Glu1688Lys)

Gene: BRCA2 (BRCA2 DNA repair associated; plus strand). Cytogenetic location: 13q13.1.
Variant type: single nucleotide variant.
Coding change: c.5062G>A on transcript NM_000059.4 (MANE Select); coding-DNA position 5062, G replaced by A.
Protein change: p.Glu1688Lys; replaces glutamic acid 1688 with lysine.
Molecular consequence: missense variant.
Genome position (GRCh38, 1-based): chr13:32,339,417, G>A. VCF-style: chr13-32339417-G-A. GRCh37 (hg19) VCF-style: chr13-32913554-G-A.
Other names: short protein forms E1688K.
Identifiers: ClinVar variation 481542 (VCV000481542.17), dbSNP rs1555284052, ClinGen allele CA387784041.